The following is an entry in ClinVar:

ClinVar aggregate classification (germline): Uncertain significance (1 of 4 stars; one submission).

Conditions:
Inborn genetic diseases. Identifiers: MedGen C0950123, MeSH D030342.

Submission:

Ambry Genetics
Classification: Uncertain significance for Inborn genetic diseases. Last evaluated: 2024-09-01. Review status: criteria provided, single submitter. Criteria: Ambry Variant Classification Scheme 2023. Collection method: clinical testing. Allele origin: germline.
Comment: The p.A1572G variant (also known as c.4715C>G), located in coding exon 32 of the LRRK2 gene, results from a C to G substitution at nucleotide position 4715. The alanine at codon 1572 is replaced by glycine, an amino acid with similar properties. This amino acid position is conserved. In addition, the in silico prediction for this alteration is inconclusive. Based on the available evidence, the clinical significance of this variant remains unclear.

NM_198578.4(LRRK2):c.4715C>G (p.Ala1572Gly)

Gene: LRRK2 (leucine rich repeat kinase 2; plus strand). Cytogenetic location: 12q12.
Variant type: single nucleotide variant.
Coding change: c.4715C>G on transcript NM_198578.4 (MANE Select); coding-DNA position 4715, C replaced by G.
Protein change: p.Ala1572Gly; replaces alanine 1572 with glycine.
Molecular consequence: missense variant.
Genome position (GRCh38, 1-based): chr12:40,314,150, C>G. VCF-style: chr12-40314150-C-G. GRCh37 (hg19) VCF-style: chr12-40707952-C-G.
Other names: short protein forms A1572G.
Identifiers: ClinVar variation 3540653 (VCV003540653.1).
Genomic context (GRCh38, chr12:40,314,150, plus strand): 5'-GATTATTACAACTAGTGAGAGAAAATCAGCTGCAGTTAGATGAAAATGAGCTTCCTCACG[C>G]AGTTCACTTTCTAAATGAATCAGGTTTGTGTTTTTCGTTCCTTATTTTCAAAGCTCAGCT-3'
Protein context (NP_940980.4, residues 1562-1582): LQLDENELPH[Ala1572Gly]VHFLNESGVL